The following is an entry in ClinVar:

NM_001136018.4(EPHX1):c.723-16CT[3]

Gene: EPHX1 (epoxide hydrolase 1; plus strand). Cytogenetic location: 1q42.12.
Variant type: Microsatellite.
Coding change: c.723-16CT[3] on transcript NM_001136018.4 (MANE Select); three copies in a row of the 2-base unit CT starting at c.723-16; the reference has four copies in a row; one copy, 2 bases deleted.
Molecular consequence: intron variant.
Genome position (GRCh38, 1-based): chr1:225,839,819-225,839,820, CT deleted; deleting any 2 consecutive bases within chr1:225,839,813-225,839,820 gives the same sequence; the position shown is the placement nearest the transcript's 3' end. VCF-style (leftmost placement, unchanged base first): chr1-225839812-CCT-C. GRCh37 (hg19) VCF-style: chr1-226027513-CCT-C.
Other names: c.723-10_723-9delCT (NM_000120.3); c.723-16CT[3] (NM_001291163.2, NM_001378426.1, NM_001378429.1 and 3 more transcripts); c.495-16CT[3] (NM_001378431.1); c.365-2553CT[3] (NM_001378432.1); c.696-16CT[3] (NM_001378428.1).
Identifiers: ClinVar variation 4941554 (VCV004941554.2).

ClinVar aggregate classification (germline): Likely benign. Review status: criteria provided, multiple submitters, no conflicts (2 of 4 stars). 2 submissions from 2 submitters: Likely benign (2). Last evaluated 2026-05-26.

Conditions:
EPHX1-related disorder. Also called: EPHX1-related condition.

Submissions (2):

PreventionGenetics, part of Exact Sciences
Classification: Likely benign for EPHX1-related condition. Last evaluated: 2026-05-26. Review status: criteria provided, single submitter. Criteria: ACMG Guidelines, 2015. Collection method: clinical testing. Allele origin: germline.
Comment: This variant is classified as likely benign based on ACMG/AMP sequence variant interpretation guidelines (Richards et al. 2015 PMID: 25741868, with internal and published modifications).

Blueprint Genetics
Classification: Likely benign. Last evaluated: 2024-04-20. Review status: criteria provided, single submitter. Criteria: ACMG Guidelines, 2015. Collection method: clinical testing. Allele origin: germline.